The following is an entry in ClinVar:

NM_002439.5(MSH3):c.359-3A>G

Gene: MSH3 (mutS homolog 3; plus strand). Cytogenetic location: 5q14.1.
Variant type: single nucleotide variant.
Coding change: c.359-3A>G on transcript NM_002439.5 (MANE Select); 3 bases into the intron before coding-DNA position 359, A replaced by G.
Molecular consequence: intron variant.
Genome position (GRCh38, 1-based): chr5:80,665,140, A>G. VCF-style: chr5-80665140-A-G. GRCh37 (hg19) VCF-style: chr5-79960959-A-G.
Other names: c.359-3A>G (NM_002439.3).
Identifiers: ClinVar variation 1506803 (VCV001506803.7), dbSNP rs202158045, ClinGen allele CA3327593.

ClinVar aggregate classification (germline): Uncertain significance. Review status: criteria provided, multiple submitters, no conflicts (2 of 4 stars). 2 submissions from 2 submitters: Uncertain significance (2). Last evaluated 2025-07-09.

Conditions:
Hereditary cancer-predisposing syndrome. Also called: Hereditary neoplastic syndrome; Tumor predisposition; Neoplastic Syndromes, Hereditary; Hereditary Cancer Syndrome. Identifiers: Orphanet 140162, MedGen C0027672, MeSH D009386, MONDO:0015356.

Allele frequency attached by ClinVar (database versions not stated): 1000 Genomes Project 30x 0.00016.
gnomAD v4.1: 1 of 1,612,960 alleles (0.000062%); highest among the groups gnomAD compares: South Asian, 0.0011%; no homozygotes.

Submissions (2):

Ambry Genetics
Classification: Uncertain significance for Hereditary cancer-predisposing syndrome. Last evaluated: 2025-07-09. Review status: criteria provided, single submitter. Criteria: Ambry Variant Classification Scheme 2023. Collection method: clinical testing. Allele origin: germline.
Comment: The c.359-3A>G intronic variant results from an A to G substitution 3 nucleotides upstream from coding exon 3 in the MSH3 gene. This nucleotide position is well conserved in available vertebrate species. In silico splice site analysis predicts that this alteration may weaken the native splice acceptor site. Based on the available evidence, the clinical significance of this variant remains unclear.

Labcorp Genetics (formerly Invitae), Labcorp
Classification: Uncertain significance. Last evaluated: 2024-01-16. Review status: criteria provided, single submitter. Criteria: Invitae Variant Classification Sherloc (09022015). Collection method: clinical testing. Allele origin: germline.
Comment: This sequence change falls in intron 2 of the MSH3 gene. It does not directly change the encoded amino acid sequence of the MSH3 protein. It affects a nucleotide within the consensus splice site. This variant is present in population databases (rs202158045, gnomAD 0.003%). This variant has not been reported in the literature in individuals affected with MSH3-related conditions. ClinVar contains an entry for this variant (Variation ID: 1506803). Variants that disrupt the consensus splice site are a relatively common cause of aberrant splicing (PMID: 17576681, 9536098). Algorithms developed to predict the effect of sequence changes on RNA splicing suggest that this variant may disrupt the consensus splice site. In summary, the available evidence is currently insufficient to determine the role of this variant in disease. Therefore, it has been classified as a Variant of Uncertain Significance.

Literature cited by the submitters: PubMed 17576681 (cited by Labcorp Genetics (formerly Invitae), Labcorp); PubMed 9536098 (cited by Labcorp Genetics (formerly Invitae), Labcorp).